The following is an entry in ClinVar:

ClinVar aggregate classification (germline): Pathogenic (1 of 4 stars; one submission).

Conditions:
Sialuria. Also called: SIALURIA, FRENCH TYPE; Sialic Acid Storage Disease. Identifiers: Orphanet 3166, MedGen C0342853, MONDO:0010028, OMIM 269921.
GNE myopathy (NM). Also called: INCLUSION BODY MYOPATHY 2, AUTOSOMAL RECESSIVE; MYOPATHY, DISTAL, WITH OR WITHOUT RIMMED VACUOLES; IBM 2; Inclusion body myopathy autosomal recessive; Inclusion body myopathy quadriceps sparing; NONAKA DISTAL MYOPATHY. Identifiers: Orphanet 602, MedGen C1853926, MONDO:0011603, OMIM 605820.

Submission:

Labcorp Genetics (formerly Invitae), Labcorp
Classification: Pathogenic for Sialuria; GNE myopathy. Last evaluated: 2023-10-09. Review status: criteria provided, single submitter. Criteria: Invitae Variant Classification Sherloc (09022015). Collection method: clinical testing. Allele origin: germline.
Comment: This sequence change creates a premature translational stop signal (p.Gln628*) in the GNE gene. It is expected to result in an absent or disrupted protein product. Loss-of-function variants in GNE are known to be pathogenic (PMID: 24027297). This variant is not present in population databases (gnomAD no frequency). This variant has not been reported in the literature in individuals affected with GNE-related conditions. ClinVar contains an entry for this variant (Variation ID: 1377078). Algorithms developed to predict the effect of sequence changes on RNA splicing suggest that this variant may disrupt the consensus splice site. For these reasons, this variant has been classified as Pathogenic.

Literature cited by the submitters: PubMed 24027297.

NM_005476.7(GNE):c.1789C>T (p.Gln597Ter)

Gene: GNE (glucosamine (UDP-N-acetyl)-2-epimerase/N-acetylmannosamine kinase; minus strand). Cytogenetic location: 9p13.3.
Variant type: single nucleotide variant.
Coding change: c.1789C>T on transcript NM_005476.7 (MANE Select); coding-DNA position 1789, C replaced by T.
Protein change: p.Gln597Ter; replaces glutamine 597 with a stop codon.
Molecular consequence: nonsense.
Genome position (GRCh38, 1-based): chr9:36,219,865, G>A on the plus strand (C>T on the coding strand, the complement: GNE is on the minus strand). VCF-style: chr9-36219865-G-A. GRCh37 (hg19) VCF-style: chr9-36219862-G-A.
Other names: c.1882C>T, p.Gln628Ter (NM_001128227.3); c.1567C>T, p.Gln523Ter (NM_001190383.3); c.1459C>T, p.Gln487Ter (NM_001190384.3); c.1612C>T, p.Gln538Ter (NM_001190388.2, NM_001374798.1); c.1636C>T, p.Gln546Ter (NM_001374797.1); short protein forms Q523*, Q487*, Q597*, Q538*, Q546*, Q628*.
Identifiers: ClinVar variation 1377078 (VCV001377078.6), dbSNP rs2133006228, ClinGen allele CA373425523.